The following is an entry in ClinVar:

NM_001849.4(COL6A2):c.2948A>T (p.Asp983Val)

Gene: COL6A2 (collagen type VI alpha 2 chain; plus strand). Cytogenetic location: 21q22.3.
Variant type: single nucleotide variant.
Coding change: c.2948A>T on transcript NM_001849.4 (MANE Select); coding-DNA position 2948, A replaced by T.
Protein change: p.Asp983Val; replaces aspartic acid 983 with valine.
Molecular consequence: missense variant.
Genome position (GRCh38, 1-based): chr21:46,132,440, A>T. VCF-style: chr21-46132440-A-T. GRCh37 (hg19) VCF-style: chr21-47552354-A-T.
Other names: short protein forms D983V.
Identifiers: ClinVar variation 1043550 (VCV001043550.9), dbSNP rs754518986, ClinGen allele CA10073110.

ClinVar aggregate classification (germline): Uncertain significance (1 of 4 stars; one submission).

Conditions:
Bethlem myopathy 1A. Also called: Bethlem Muscular Dystrophy; MYOPATHY, BENIGN CONGENITAL, WITH CONTRACTURES; Bethlem myopathy 1. Identifiers: Orphanet 610, MedGen CN029274, MONDO:0024530, OMIM 158810.

Allele frequency attached by ClinVar (database versions not stated): gnomAD exomes below 0.00001 and 0.00001; TOPMed below 0.00001; ExAC 0.00001; gnomAD 0.00001.
gnomAD v4.1: 5 of 1,606,674 alleles (0.00031%); highest among the groups gnomAD compares: East Asian, 0.0045%; no homozygotes.

Submission:

Labcorp Genetics (formerly Invitae), Labcorp
Classification: Uncertain significance for Bethlem myopathy 1A. Last evaluated: 2025-10-03. Review status: criteria provided, single submitter. Criteria: Invitae Variant Classification Sherloc (09022015). Collection method: clinical testing. Allele origin: germline.
Comment: This sequence change replaces aspartic acid, which is acidic and polar, with valine, which is neutral and non-polar, at codon 983 of the COL6A2 protein (p.Asp983Val). This variant is present in population databases (rs754518986, gnomAD 0.02%). This variant has not been reported in the literature in individuals affected with COL6A2-related conditions. ClinVar contains an entry for this variant (Variation ID: 1043550). Invitae Evidence Modeling of protein sequence and biophysical properties (such as structural, functional, and spatial information, amino acid conservation, physicochemical variation, residue mobility, and thermodynamic stability) indicates that this missense variant is not expected to disrupt COL6A2 protein function with a negative predictive value of 80%. In summary, the available evidence is currently insufficient to determine the role of this variant in disease. Therefore, it has been classified as a Variant of Uncertain Significance.